The following is an entry in ClinVar:

NM_020937.4(FANCM):c.1973G>A (p.Arg658Gln)

Gene: FANCM (FA complementation group M; plus strand). Cytogenetic location: 14q21.2.
Variant type: single nucleotide variant.
Coding change: c.1973G>A on transcript NM_020937.4 (MANE Select); coding-DNA position 1973, G replaced by A.
Protein change: p.Arg658Gln; replaces arginine 658 with glutamine.
Molecular consequence: missense variant.
Genome position (GRCh38, 1-based): chr14:45,167,134, G>A. VCF-style: chr14-45167134-G-A. GRCh37 (hg19) VCF-style: chr14-45636337-G-A.
Other names: c.1895G>A, p.Arg632Gln (NM_001308133.2); c.1973G>A, p.Arg658Gln (NM_001308134.2); short protein forms R632Q, R658Q.
Identifiers: ClinVar variation 649821 (VCV000649821.11), dbSNP rs763495035, ClinGen allele CA7169195.
Genomic context (GRCh38, chr14:45,167,134, plus strand): 5'-ACAAAATGTTCATCACACATGGTGTCTATGAACCAGAGAAGCCTTCTCGGAACTTGCAGC[G>A]AAAGTCATCTATCTTTTCCTATAGGGATGGTAAATAAATTTTGCATTTGACACATGCATT-3'
Protein context (NP_065988.1, residues 648-668): EPEKPSRNLQ[Arg658Gln]KSSIFSYRDG

ClinVar aggregate classification (germline): Uncertain significance. Review status: criteria provided, multiple submitters, no conflicts (2 of 4 stars). 2 submissions from 2 submitters: Uncertain significance (2). Last evaluated 2022-01-08.

Conditions:
Fanconi anemia (FA). Also called: Fanconi's anemia. Identifiers: Orphanet 84, MedGen C0015625, MeSH D005199, MONDO:0019391.
Spermatogenic failure 28. Identifiers: MedGen C4748117, MONDO:0054732, OMIM 618086.
Premature ovarian failure 15. Identifiers: MedGen C4748170, MONDO:0054862, OMIM 618096.

Allele frequency attached by ClinVar (database versions not stated): ExAC 0.00001; gnomAD exomes 0.00002.
gnomAD v4.1: 33 of 1,612,024 alleles (0.002%); highest among the groups gnomAD compares: Middle Eastern, 0.017%; no homozygotes.

Submissions (2):

Labcorp Genetics (formerly Invitae), Labcorp
Classification: Uncertain significance for Fanconi anemia. Last evaluated: 2022-01-08. Review status: criteria provided, single submitter. Criteria: Invitae Variant Classification Sherloc (09022015). Collection method: clinical testing. Allele origin: germline.
Comment: In summary, the available evidence is currently insufficient to determine the role of this variant in disease. Therefore, it has been classified as a Variant of Uncertain Significance. Algorithms developed to predict the effect of missense changes on protein structure and function output the following: SIFT: "Tolerated"; PolyPhen-2: "Benign"; Align-GVGD: "Class C0". The glutamine amino acid residue is found in multiple mammalian species, which suggests that this missense change does not adversely affect protein function. ClinVar contains an entry for this variant (Variation ID: 649821). This variant has not been reported in the literature in individuals affected with FANCM-related conditions. This variant is present in population databases (rs763495035, gnomAD 0.004%). This sequence change replaces arginine, which is basic and polar, with glutamine, which is neutral and polar, at codon 658 of the FANCM protein (p.Arg658Gln).

Fulgent Genetics
Classification: Uncertain significance for Spermatogenic failure 28; Premature ovarian failure 15. Last evaluated: 2021-12-15. Review status: criteria provided, single submitter. Criteria: ACMG Guidelines, 2015. Collection method: clinical testing. Allele origin: unknown.